The following is an entry in ClinVar:

ClinVar aggregate classification (germline): Pathogenic (1 of 4 stars; one submission).

Conditions:
Hereditary cancer-predisposing syndrome. Also called: Tumor predisposition; Hereditary Cancer Syndrome; Neoplastic Syndromes, Hereditary; Hereditary neoplastic syndrome. Identifiers: Orphanet 140162, MedGen C0027672, MeSH D009386, MONDO:0015356.

Submission:

Ambry Genetics
Classification: Pathogenic for Hereditary cancer-predisposing syndrome. Last evaluated: 2024-11-08. Review status: criteria provided, single submitter. Criteria: Ambry Variant Classification Scheme 2023. Collection method: clinical testing. Allele origin: germline.
Comment: The c.8755_8765del11 pathogenic mutation, located in coding exon 21 of the BRCA2 gene, results from a deletion of 11 nucleotides at nucleotide positions 8755 to 8765, causing a translational frameshift with a predicted alternate stop codon (p.G2919*). This variant is considered to be rare based on population cohorts in the Genome Aggregation Database (gnomAD). This alteration is expected to result in loss of function by premature protein truncation or nonsense-mediated mRNA decay. As such, this alteration is interpreted as a disease-causing mutation.

NM_000059.3(BRCA2):c.8755_8765del11

Gene: BRCA2 (BRCA2 DNA repair associated; plus strand). Cytogenetic location: 13q13.1.
Variant type: Deletion.
Coding change: c.8755_8765del11 on transcript NM_000059.3; coding-DNA positions 8755 to 8765, 11 bases deleted (GGTTATTTCAG).
Genome position (GRCh38, 1-based): chr13:32,379,317-32,379,327, GGTTATTTCAG deleted; deleting any 11 consecutive bases within chr13:32,379,314-32,379,327 gives the same sequence; the c. name uses the placement nearest the transcript's 3' end. VCF-style (leftmost placement, unchanged base first): chr13-32379313-ACAGGGTTATTT-A. GRCh37 (hg19) VCF-style: chr13-32953450-ACAGGGTTATTT-A.
Identifiers: ClinVar variation 3482169 (VCV003482169.1).